The following is an entry in ClinVar:

NM_017849.4(TMEM127):c.537G>A (p.Leu179=)

Gene: TMEM127 (transmembrane protein 127; minus strand). Cytogenetic location: 2q11.2.
Variant type: single nucleotide variant.
Coding change: c.537G>A on transcript NM_017849.4 (MANE Select); coding-DNA position 537, G replaced by A.
Protein change: p.Leu179=; no amino-acid change (leucine 179 retained).
Molecular consequence: synonymous variant.
Genome position (GRCh38, 1-based): chr2:96,253,988, C>T on the plus strand (G>A on the coding strand, the complement: TMEM127 is on the minus strand). VCF-style: chr2-96253988-C-T. GRCh37 (hg19) VCF-style: chr2-96919726-C-T.
Other names: c.537G>A, p.Leu179= (NM_001193304.3); c.285G>A, p.Leu95= (NM_001407282.1, NM_001407283.1).
Identifiers: ClinVar variation 5042153 (VCV005042153.1).

ClinVar aggregate classification (germline): Benign (1 of 4 stars; one submission).

Conditions:
Hereditary pheochromocytoma and paraganglioma. Also called: Hereditary Paraganglioma-Pheochromocytoma Syndromes; Hereditary paragangliomas and pheochromocytomas; Hereditary pheochromocytoma-paraganglioma. Identifiers: Orphanet 29072, MedGen C4274332, MONDO:0017366.

Submission:

Myriad Genetics, Inc.
Classification: Benign for Hereditary pheochromocytoma and paraganglioma. Last evaluated: 2026-07-30. Review status: criteria provided, single submitter. Criteria: Myriad Autosomal Dominant, Autosomal Recessive and X-Linked Classification Criteria (2023). Collection method: clinical testing. Allele origin: unknown.
Comment: This variant is considered benign. This variant is a silent/synonymous amino acid change and it is not expected to impact splicing.